The following is an entry in ClinVar:

NM_000255.4(MMUT):c.970G>A (p.Ala324Thr)

Gene: MMUT (methylmalonyl-CoA mutase; minus strand). Cytogenetic location: 6p12.3.
Variant type: single nucleotide variant.
Coding change: c.970G>A on transcript NM_000255.4 (MANE Select); coding-DNA position 970, G replaced by A.
Protein change: p.Ala324Thr; replaces alanine 324 with threonine.
Molecular consequence: missense variant.
Genome position (GRCh38, 1-based): chr6:49,453,698, C>T on the plus strand (G>A on the coding strand, the complement: MMUT is on the minus strand). VCF-style: chr6-49453698-C-T. GRCh37 (hg19) VCF-style: chr6-49421411-C-T.
Other names: short protein forms A324T.
Identifiers: ClinVar variation 550893 (VCV000550893.17), dbSNP rs780387525, ClinGen allele CA364400785.
Genomic context (GRCh38, chr6:49,453,698, plus strand): 5'-ATTTTGAGTTTTTAGGCTGAAACATTTTCTCTATTAAGTGAGCCCAGAGTCTTCTACCAG[C>T]TCTCATCTTTGCTATTTCCATATAGAAATTCATTCCAATTCCCCAGAAGAAAGACAACCT-3'
Protein context (NP_000246.2, residues 314-334): NFYMEIAKMR[Ala324Thr]GRRLWAHLIE

ClinVar aggregate classification (germline): Pathogenic/Likely pathogenic. Review status: criteria provided, multiple submitters, no conflicts (2 of 4 stars). 6 submissions from 6 submitters: Pathogenic (4); Likely pathogenic (1). 1 of the submissions does not count toward it. Last evaluated 2025-11-25.

Conditions:
MMUT-related disorder. Also called: MMUT-related condition.
Methylmalonic aciduria due to complete methylmalonyl-CoA mutase deficiency.
Methylmalonic aciduria due to methylmalonyl-CoA mutase deficiency (MAMM). Also called: Methylmalonic aciduria, mut type. Identifiers: Orphanet 27, MedGen C1855114, MONDO:0009612, OMIM 251000.

Allele frequency attached by ClinVar (database versions not stated): TOPMed 0.00001.

Submissions (6):

Labcorp Genetics (formerly Invitae), Labcorp
Classification: Pathogenic. Last evaluated: 2025-11-25. Review status: criteria provided, single submitter. Criteria: Invitae Variant Classification Sherloc (09022015). Collection method: clinical testing. Allele origin: germline.
Comment: This sequence change replaces alanine, which is neutral and non-polar, with threonine, which is neutral and polar, at codon 324 of the MUT protein (p.Ala324Thr). This variant is present in population databases (no rsID available, gnomAD 0.02%). This missense change has been observed in individual(s) with methylmalonic aciduria (PMID: 15781192, 16281286, 17957493; internal data). It has also been observed to segregate with disease in related individuals. ClinVar contains an entry for this variant (Variation ID: 550893). Invitae Evidence Modeling of protein sequence and biophysical properties (such as structural, functional, and spatial information, amino acid conservation, physicochemical variation, residue mobility, and thermodynamic stability) indicates that this missense variant is expected to disrupt MUT protein function with a positive predictive value of 95%. For these reasons, this variant has been classified as Pathogenic.

Natera, Inc.
Classification: Pathogenic for Methylmalonic aciduria due to complete methylmalonyl-CoA mutase deficiency. Last evaluated: 2025-10-16. Review status: criteria provided, single submitter. Criteria: Natera Variant Classification Schema (03/2026). Collection method: clinical testing. Allele origin: germline.
Comment: The c.970G>A variant in MMUT is a missense variant predicted to cause substitution of alanine to threonine at amino acid 324. This variant is rare in the general population with a frequency below the threshold expected for the associated phenotype(s). This variant has been observed in one or more individuals affected with the associated recessive disease, as either homozygous or compound heterozygous with a second variant (PMID: 16281286, 15781192). Computational prediction algorithms indicate this variant is likely to affect gene or protein function. Given the available evidence, this variant is classified as Pathogenic.

GeneDx
Classification: Likely pathogenic. Last evaluated: 2025-03-27. Review status: criteria provided, single submitter. Criteria: GeneDx Variant Classification Process June 2021. Collection method: clinical testing. Allele origin: germline. Affected: yes.
Comment: Not observed at significant frequency in large population cohorts (gnomAD); In silico analysis supports that this missense variant has a deleterious effect on protein structure/function; This variant is associated with the following publications: (PMID: 17957493, 34668645, 37316190, 33413471, 35361390, 31622506, 32778825, 31466887, 27233228, 23430940, 15781192, 16281286)

PreventionGenetics, part of Exact Sciences
Classification: Pathogenic for MMUT-related condition. Last evaluated: 2023-02-15. Review status: criteria provided, single submitter. Criteria: ACMG Guidelines, 2015. Collection method: clinical testing. Allele origin: germline.
Comment: The MMUT c.970G>A variant is predicted to result in the amino acid substitution p.Ala324Thr. This variant has been reported along with a second MMUT variant in individuals with MMUT-associated methylmalonic acidemia (MMA) (Martinez et al. 2005. PubMed ID: 15781192; Worgan et al. 2006. PubMed ID: 16281286; Merinero et al. 2008. PubMed ID: 17957493; Chu et al. 2016. PubMed ID: 27233228; Han et al. 2019. PubMed ID: 31466887). This variant is reported in 0.014% of alleles in individuals of Latino descent in gnomAD. Based on the available evidence, this variant is interpreted as pathogenic.

Fulgent Genetics
Classification: Pathogenic for Methylmalonic aciduria due to methylmalonyl-CoA mutase deficiency. Last evaluated: 2022-05-12. Review status: criteria provided, single submitter. Criteria: ACMG Guidelines, 2015. Collection method: clinical testing. Allele origin: unknown.

Counsyl
Classification: Likely pathogenic for Methylmalonic aciduria due to methylmalonyl-CoA mutase deficiency. Last evaluated: 2017-03-01. Review status: no assertion criteria provided. Collection method: clinical testing. Allele origin: unknown. Not counted in ClinVar's aggregate classification.

Literature cited by the submitters: PubMed 15781192 (cited by 3 submitters); PubMed 16281286 (cited by 3 submitters); PubMed 17957493 (cited by Labcorp Genetics (formerly Invitae), Labcorp); PubMed 27233228 (cited by Counsyl); PubMed 23430940 (cited by Counsyl).